The following is an entry in ClinVar:

NM_004560.4(ROR2):c.2402T>G (p.Phe801Cys)

Gene: ROR2 (receptor tyrosine kinase like orphan receptor 2; minus strand). Cytogenetic location: 9q22.31.
Variant type: single nucleotide variant.
Coding change: c.2402T>G on transcript NM_004560.4 (MANE Select); coding-DNA position 2402, T replaced by G.
Protein change: p.Phe801Cys; replaces phenylalanine 801 with cysteine.
Molecular consequence: missense variant.
Genome position (GRCh38, 1-based): chr9:91,724,092, A>C on the plus strand (T>G on the coding strand, the complement: ROR2 is on the minus strand). VCF-style: chr9-91724092-A-C. GRCh37 (hg19) VCF-style: chr9-94486374-A-C.
Other names: short protein forms F801C.
Identifiers: ClinVar variation 3689486 (VCV003689486.2).
Genomic context (GRCh38, chr9:91,724,092, plus strand): 5'-ACGGGGACGTAGAGCTGCGGCGGGGGCACCATGGGTCTGATCTGGCCCTTCATGGGGATG[A>C]ACTGGGGCTGTGGGAAGGGCGGGGCCTTCTGCTTGGGCCCCACGTAGCGGGCGTTGCTCA-3'
Protein context (NP_004551.2, residues 791-811): QKAPPFPQPQ[Phe801Cys]IPMKGQIRPM

ClinVar aggregate classification (germline): Uncertain significance (1 of 4 stars; one submission).

gnomAD v4.1: 2 of 1,611,282 alleles (0.00012%); highest among the groups gnomAD compares: South Asian, 0.0022%; no homozygotes.

Submission:

Labcorp Genetics (formerly Invitae), Labcorp
Classification: Uncertain significance. Last evaluated: 2024-07-06. Review status: criteria provided, single submitter. Criteria: Invitae Variant Classification Sherloc (09022015). Collection method: clinical testing. Allele origin: germline.
Comment: This sequence change replaces phenylalanine, which is neutral and non-polar, with cysteine, which is neutral and slightly polar, at codon 801 of the ROR2 protein (p.Phe801Cys). This variant is not present in population databases (gnomAD no frequency). This variant has not been reported in the literature in individuals affected with ROR2-related conditions. Advanced modeling of protein sequence and biophysical properties (such as structural, functional, and spatial information, amino acid conservation, physicochemical variation, residue mobility, and thermodynamic stability) performed at Invitae indicates that this missense variant is not expected to disrupt ROR2 protein function with a negative predictive value of 95%. In summary, the available evidence is currently insufficient to determine the role of this variant in disease. Therefore, it has been classified as a Variant of Uncertain Significance.